The following is an entry in ClinVar:

NM_000088.4(COL1A1):c.139T>C (p.Tyr47His)

Gene: COL1A1 (collagen type I alpha 1 chain; minus strand). Cytogenetic location: 17q21.33.
Variant type: single nucleotide variant.
Coding change: c.139T>C on transcript NM_000088.4 (MANE Select); coding-DNA position 139, T replaced by C.
Protein change: p.Tyr47His; replaces tyrosine 47 with histidine.
Molecular consequence: missense variant.
Genome position (GRCh38, 1-based): chr17:50,199,912, A>G on the plus strand (T>C on the coding strand, the complement: COL1A1 is on the minus strand). VCF-style: chr17-50199912-A-G. GRCh37 (hg19) VCF-style: chr17-48277273-A-G.
Other names: short protein forms Y47H.
Identifiers: ClinVar variation 4869106 (VCV004869106.1).
Genomic context (GRCh38, chr17:50,199,912, plus strand): 5'-TGCCGTTGTCGCAGACGCAGATCCGGCAGGGCTCGGGTTTCCACACGTCTCGGTCATGGT[A>G]CCTGAGGCCGTTCTGTACGCAGGTGATTGGTGGGACTGGGACAGGCGGAAGAGGGGCGTT-3'
Protein context (NP_000079.2, residues 37-57): PITCVQNGLR[Tyr47His]HDRDVWKPEP

ClinVar aggregate classification (germline): Uncertain significance (1 of 4 stars; one submission).

Conditions:
Cardiovascular phenotype. Identifiers: MedGen CN230736.

gnomAD v4.1: 6 of 1,614,122 alleles (0.00037%); highest among the groups gnomAD compares: Admixed American, 0.005%; no homozygotes.

Submission:

Ambry Genetics
Classification: Uncertain significance for Cardiovascular phenotype. Last evaluated: 2026-05-03. Review status: criteria provided, single submitter. Criteria: Ambry Variant Classification Scheme 2023. Collection method: clinical testing. Allele origin: germline.
Comment: The p.Y47H variant (also known as c.139T>C), located in coding exon 2 of the COL1A1 gene, results from a T to C substitution at nucleotide position 139. The tyrosine at codon 47 is replaced by histidine, an amino acid with similar properties. This amino acid position is conserved. In addition, this alteration is predicted to be tolerated by in silico analysis. Based on the available evidence, the clinical significance of this variant remains unclear.